The following is an entry in ClinVar:

NM_001145809.2(MYH14):c.3514C>A (p.Arg1172=)

Gene: MYH14 (myosin heavy chain 14; plus strand). Cytogenetic location: 19q13.33.
Variant type: single nucleotide variant.
Coding change: c.3514C>A on transcript NM_001145809.2 (MANE Select); coding-DNA position 3514, C replaced by A.
Protein change: p.Arg1172=; no amino-acid change (arginine 1172 retained).
Molecular consequence: synonymous variant.
Genome position (GRCh38, 1-based): chr19:50,276,037, C>A. VCF-style: chr19-50276037-C-A. GRCh37 (hg19) VCF-style: chr19-50779294-C-A.
Other names: c.3415C>A, p.Arg1139= (NM_001077186.2); c.3391C>A, p.Arg1131= (NM_024729.4).
Identifiers: ClinVar variation 164183 (VCV000164183.17), dbSNP rs373919106, ClinGen allele CA176892.

ClinVar aggregate classification (germline): Conflicting classifications of pathogenicity. Review status: criteria provided, conflicting classifications (1 of 4 stars). 4 submissions from 4 submitters: Uncertain significance (1); Likely benign (3). Last evaluated 2025-11-09.

Conditions:
Autosomal dominant nonsyndromic hearing loss 4A. Also called: Deafness, autosomal dominant 4A. Identifiers: Orphanet 90635, MedGen C1833503, MONDO:0010915, OMIM 600652.

Allele frequency attached by ClinVar (database versions not stated): gnomAD 0.00015 and 0.00016; ExAC 0.00021; TOPMed 0.00025; ESP Exome Variant Server 0.00049.
gnomAD v4.1: 258 of 1,612,624 alleles (0.016%); highest among the groups gnomAD compares: Non-Finnish European, 0.0033%; 1 homozygote.

Submissions (4):

Labcorp Genetics (formerly Invitae), Labcorp
Classification: Likely benign. Last evaluated: 2025-11-09. Review status: criteria provided, single submitter. Criteria: Invitae Variant Classification Sherloc (09022015). Collection method: clinical testing. Allele origin: germline.

Blueprint Genetics
Classification: Likely benign. Last evaluated: 2024-09-24. Review status: criteria provided, single submitter. Criteria: ACMG Guidelines, 2015. Collection method: clinical testing. Allele origin: germline.

Illumina Laboratory Services, Illumina
Classification: Uncertain significance for Autosomal dominant nonsyndromic hearing loss 4A. Last evaluated: 2018-01-13. Review status: criteria provided, single submitter. Criteria: ICSL Variant Classification Criteria 13 December 2019. Collection method: clinical testing. Allele origin: germline.

Laboratory for Molecular Medicine, Mass General Brigham Personalized Medicine
Classification: Likely benign. Last evaluated: 2012-04-30. Review status: criteria provided, single submitter. Criteria: LMM Criteria. Collection method: clinical testing. Allele origin: germline. Observed: 1 variant allele.
Comment: p.Arg1172Arg in Exon 28 of MYH14: This variant is not expected to have clinical significance because it does not alter an amino acid residue, is not located wit hin the splice consensus sequence, and has been identified in 0.1% (6/6728) of E uropean American chromosomes by the NHLBI Exome Sequencing Project (s.).